The following is an entry in ClinVar:

NM_133372.3(FNIP1):c.219+3G>A

Gene: FNIP1 (folliculin interacting protein 1; minus strand). Cytogenetic location: 5q31.1.
Variant type: single nucleotide variant.
Coding change: c.219+3G>A on transcript NM_133372.3 (MANE Select); 3 bases into the intron after coding-DNA position 219, G replaced by A.
Molecular consequence: intron variant.
Genome position (GRCh38, 1-based): chr5:131,744,561, C>T on the plus strand (G>A on the coding strand, the complement: FNIP1 is on the minus strand). VCF-style: chr5-131744561-C-T. GRCh37 (hg19) VCF-style: chr5-131080254-C-T.
Other names: c.219+3G>A (NM_001346114.2, NM_001008738.3, NM_001346113.2).
Identifiers: ClinVar variation 1912956 (VCV001912956.3), dbSNP rs913974588, ClinGen allele CA127836214.

ClinVar aggregate classification (germline): Uncertain significance (1 of 4 stars; one submission).

Allele frequency attached by ClinVar (database versions not stated): gnomAD exomes 0.00002; gnomAD 0.00003; TOPMed 0.00003.
gnomAD v4.1: 30 of 1,585,576 alleles (0.0019%); highest among the groups gnomAD compares: Non-Finnish European, 0.0024%; no homozygotes.

Submission:

Labcorp Genetics (formerly Invitae), Labcorp
Classification: Uncertain significance. Last evaluated: 2022-04-12. Review status: criteria provided, single submitter. Criteria: Invitae Variant Classification Sherloc (09022015). Collection method: clinical testing. Allele origin: germline.
Comment: This sequence change falls in intron 2 of the FNIP1 gene. It does not directly change the encoded amino acid sequence of the FNIP1 protein. It affects a nucleotide within the consensus splice site. This variant is present in population databases (no rsID available, gnomAD 0.007%). This variant has not been reported in the literature in individuals affected with FNIP1-related conditions. Variants that disrupt the consensus splice site are a relatively common cause of aberrant splicing (PMID: 17576681, 9536098). Algorithms developed to predict the effect of sequence changes on RNA splicing suggest that this variant is not likely to affect RNA splicing. In summary, the available evidence is currently insufficient to determine the role of this variant in disease. Therefore, it has been classified as a Variant of Uncertain Significance.

Literature cited by the submitters: PubMed 17576681; PubMed 9536098.